The following is an entry in ClinVar:

NM_001395413.1(POR):c.1529C>T (p.Pro510Leu)

Gene: POR (cytochrome p450 oxidoreductase; plus strand). Cytogenetic location: 7q11.23.
Variant type: single nucleotide variant.
Coding change: c.1529C>T on transcript NM_001395413.1 (MANE Select); coding-DNA position 1529, C replaced by T.
Protein change: p.Pro510Leu; replaces proline 510 with leucine.
Molecular consequence: missense variant.
Genome position (GRCh38, 1-based): chr7:75,985,718, C>T. VCF-style: chr7-75985718-C-T. GRCh37 (hg19) VCF-style: chr7-75615036-C-T.
Other names: p.Pro510Leu; c.1529C>T, p.Pro510Leu (NM_001367562.3, NM_001382657.2, NM_001382658.3 and 1 more transcripts); c.1583C>T, p.Pro528Leu (NM_001382655.3); c.1379C>T, p.Pro460Leu (NM_001382662.3); c.1538C>T (NM_000941.2); short protein forms P460L, P510L, P528L.
Identifiers: ClinVar variation 4532079 (VCV004532079.4).
Genomic context (GRCh38, chr7:75,985,718, plus strand): 5'-CCACCAACTGGCTGCGGGCCAAGGAGCCTGCCGGGGAGAACGGCGGCCGTGCGCTGGTGC[C>T]CATGTTCGTGCGCAAGTCCCAGTTCCGCCTGCCCTTCAAGGCCACCACGCCTGTCATCAT-3'
Protein context (NP_001382342.1, residues 500-520): AGENGGRALV[Pro510Leu]MFVRKSQFRL

ClinVar aggregate classification (germline): Conflicting classifications of pathogenicity. Review status: criteria provided, conflicting classifications (1 of 4 stars). 4 submissions from 4 submitters: Likely pathogenic (2); Uncertain significance (2). Last evaluated 2026-03-17.

Conditions:
Inborn genetic diseases. Identifiers: MedGen C0950123, MeSH D030342.
Antley-Bixler syndrome with genital anomalies and disordered steroidogenesis (ABS1). Also called: POR Deficiency. Identifiers: Orphanet 63269, MedGen C3150099, MONDO:0008726, OMIM 201750.

gnomAD v4.1: 8 of 1,588,296 alleles (0.0005%); highest among the groups gnomAD compares: Non-Finnish European, 0.00068%; no homozygotes.

Submissions (4):

Department of Molecular Genetics, Istishari Arab Hospital
Classification: Likely pathogenic for Antley-Bixler syndrome with genital anomalies and disordered steroidogenesis. Last evaluated: 2026-03-17. Review status: criteria provided, single submitter. Criteria: ACMG Guidelines, 2015. Collection method: clinical testing. Allele origin: germline. Inheritance: Autosomal recessive inheritance. Affected: yes.
Comment: The POR variant c.1529C>T, p.Pro510Leu causes an amino acid change from Pro to Leu at position 510. The variant is observed at an extremely low frequency in the gnomAD v4.1.0 dataset (total allele frequency: <0.001%). To the best of our knowledge, this variant was not previously reported in the literature. It is classified as likely pathogenic according to the recommendations of ACMG/AMP/ClinGen SVI guidelines.

Ambry Genetics
Classification: Uncertain significance for Inborn genetic diseases. Last evaluated: 2025-12-16. Review status: criteria provided, single submitter. Criteria: Ambry Variant Classification Scheme 2023. Collection method: clinical testing. Allele origin: germline.

Victorian Clinical Genetics Services, Murdoch Childrens Research Institute
Classification: Likely pathogenic for Antley-Bixler syndrome with genital anomalies and disordered steroidogenesis. Last evaluated: 2025-11-16. Review status: criteria provided, single submitter. Criteria: ACMG Guidelines, 2015. Collection method: clinical testing. Allele origin: germline. Affected: yes.
Comment: This variant is classified as Likely pathogenic. Evidence in support of pathogenic classification: Variant is present in gnomAD <0.01 for a recessive condition (v4: 8 heterozygote(s), 0 homozygote(s)); Missense variant predicted to be damaging by in silico tool(s). Additional information: Variant is predicted to result in a missense amino acid change from proline to leucine; This variant is homozygous; This gene is associated with autosomal recessive disease; This variant has no previous evidence of pathogenicity; No published segregation evidence has been identified for this variant; No published functional evidence has been identified for this variant; No comparable missense variants have previous evidence for pathogenicity; Variant is not located in an established domain, motif, hotspot or informative constraint region; Loss of function is a known mechanism of disease in this gene and is associated with disordered steroidogenesis due to cytochrome P450 oxidoreductase (MIM#613571) and Antley-Bixler syndrome with genital anomalies and disordered steroidogenesis (MIM#201750).

Blueprint Genetics
Classification: Uncertain significance. Last evaluated: 2020-07-17. Review status: criteria provided, single submitter. Criteria: ACMG Guidelines, 2015. Collection method: clinical testing. Allele origin: germline.